The following is an entry in ClinVar:

NM_199420.4(POLQ):c.5024T>C (p.Leu1675Ser)

Gene: POLQ (DNA polymerase theta; minus strand). Cytogenetic location: 3q13.33.
Variant type: single nucleotide variant.
Coding change: c.5024T>C on transcript NM_199420.4 (MANE Select); coding-DNA position 5024, T replaced by C.
Protein change: p.Leu1675Ser; replaces leucine 1675 with serine.
Molecular consequence: missense variant.
Genome position (GRCh38, 1-based): chr3:121,487,907, A>G on the plus strand (T>C on the coding strand, the complement: POLQ is on the minus strand). VCF-style: chr3-121487907-A-G. GRCh37 (hg19) VCF-style: chr3-121206754-A-G.
Other names: short protein forms L1675S.
Identifiers: ClinVar variation 2563786 (VCV002563786.2), dbSNP rs2546785231, ClinGen allele CA354092347.

ClinVar aggregate classification (germline): Uncertain significance (1 of 4 stars; one submission).

Submission:

Ambry Genetics
Classification: Uncertain significance. Last evaluated: 2023-04-06. Review status: criteria provided, single submitter. Criteria: Ambry Variant Classification Scheme 2023. Collection method: clinical testing. Allele origin: germline.
Comment: The p.L1675S variant (also known as c.5024T>C), located in coding exon 16 of the POLQ gene, results from a T to C substitution at nucleotide position 5024. The leucine at codon 1675 is replaced by serine, an amino acid with dissimilar properties. This amino acid position is conserved. In addition, this alteration is predicted to be tolerated by in silico analysis. Since supporting evidence is limited at this time, the clinical significance of this alteration remains unclear.